The following is an entry in ClinVar:

NM_002485.5(NBN):c.2158G>A (p.Glu720Lys)

Gene: NBN (nibrin; minus strand). Cytogenetic location: 8q21.3.
Variant type: single nucleotide variant.
Coding change: c.2158G>A on transcript NM_002485.5 (MANE Select); coding-DNA position 2158, G replaced by A.
Protein change: p.Glu720Lys; replaces glutamic acid 720 with lysine.
Molecular consequence: missense variant.
Genome position (GRCh38, 1-based): chr8:89,943,279, C>T on the plus strand (G>A on the coding strand, the complement: NBN is on the minus strand). VCF-style: chr8-89943279-C-T. GRCh37 (hg19) VCF-style: chr8-90955507-C-T.
Other names: c.1912G>A, p.Glu638Lys (NM_001024688.3); short protein forms E720K, E638K.
Identifiers: ClinVar variation 233263 (VCV000233263.16), dbSNP rs876660294, ClinGen allele CA10578744.

ClinVar aggregate classification (germline): Uncertain significance. Review status: criteria provided, multiple submitters, no conflicts (2 of 4 stars). 3 submissions from 3 submitters: Uncertain significance (3). Last evaluated 2022-01-19.

Conditions:
Hereditary cancer-predisposing syndrome. Also called: Tumor predisposition; Hereditary Cancer Syndrome; Hereditary neoplastic syndrome; Neoplastic Syndromes, Hereditary. Identifiers: Orphanet 140162, MedGen C0027672, MeSH D009386, MONDO:0015356.
Microcephaly, normal intelligence and immunodeficiency (NBS). Also called: IMMUNODEFICIENCY, MICROCEPHALY, AND CHROMOSOMAL INSTABILITY; SEEMANOVA SYNDROME II; Nijmegen breakage syndrome; Microcephaly with normal intelligence immunodeficiency and lymphoreticular malignancies; Nonsyndromal microcephaly autosomal recessive with normal intelligence; Seemanova syndrome 2. Identifiers: Orphanet 647, MedGen C0398791, MONDO:0009623, OMIM 251260.

Allele frequency attached by ClinVar (database versions not stated): gnomAD exomes below 0.00001.
gnomAD v4.1: 2 of 1,613,762 alleles (0.00012%); highest among the groups gnomAD compares: South Asian, 0.0022%; no homozygotes.

Submissions (3):

Ambry Genetics
Classification: Uncertain significance for Hereditary cancer-predisposing syndrome. Last evaluated: 2022-01-19. Review status: criteria provided, single submitter. Criteria: Ambry Variant Classification Scheme 2023. Collection method: clinical testing. Allele origin: germline.
Comment: The p.E720K variant (also known as c.2158G>A), located in coding exon 14 of the NBN gene, results from a G to A substitution at nucleotide position 2158. The glutamic acid at codon 720 is replaced by lysine, an amino acid with similar properties. This amino acid position is highly conserved in available vertebrate species. In addition, the in silico prediction for this alteration is inconclusive. Since supporting evidence is limited at this time, the clinical significance of this alteration remains unclear.

Genome-Nilou Lab
Classification: Uncertain significance for Microcephaly, normal intelligence and immunodeficiency. Last evaluated: 2021-11-07. Review status: criteria provided, single submitter. Criteria: ACMG Guidelines, 2015. Collection method: clinical testing. Allele origin: germline. Affected: no.

Labcorp Genetics (formerly Invitae), Labcorp
Classification: Uncertain significance for Microcephaly, normal intelligence and immunodeficiency. Last evaluated: 2020-09-11. Review status: criteria provided, single submitter. Criteria: Invitae Variant Classification Sherloc (09022015). Collection method: clinical testing. Allele origin: germline.
Comment: In summary, the available evidence is currently insufficient to determine the role of this variant in disease. Therefore, it has been classified as a Variant of Uncertain Significance. Algorithms developed to predict the effect of missense changes on protein structure and function are either unavailable or do not agree on the potential impact of this missense change (SIFT: "Deleterious"; PolyPhen-2: "Probably Damaging"; Align-GVGD: "Class C0"). This variant has not been reported in the literature in individuals with NBN-related conditions. ClinVar contains an entry for this variant (Variation ID: 233263). This variant is not present in population databases (ExAC no frequency). This sequence change replaces glutamic acid with lysine at codon 720 of the NBN protein (p.Glu720Lys). The glutamic acid residue is moderately conserved and there is a small physicochemical difference between glutamic acid and lysine.